The following is an entry in ClinVar:

ClinVar aggregate classification (germline): Uncertain significance (1 of 4 stars; one submission).

Conditions:
Familial thoracic aortic aneurysm and aortic dissection (TAAD). Also called: Thoracic aortic aneurysms and dissections. Identifiers: Orphanet 91387, MedGen C4707243, MONDO:0019625.
Hereditary cancer-predisposing syndrome. Also called: Neoplastic Syndromes, Hereditary; Hereditary Cancer Syndrome; Tumor predisposition; Hereditary neoplastic syndrome. Identifiers: Orphanet 140162, MedGen C0027672, MeSH D009386, MONDO:0015356.

gnomAD v4.1: 1 of 1,614,224 alleles (0.000062%); highest among the groups gnomAD compares: Admixed American, 0.0017%; no homozygotes.

Submission:

Ambry Genetics
Classification: Uncertain significance for Hereditary cancer-predisposing syndrome; Familial thoracic aortic aneurysm and aortic dissection. Last evaluated: 2025-03-01. Review status: criteria provided, single submitter. Criteria: Ambry Variant Classification Scheme 2023. Collection method: clinical testing. Allele origin: germline.
Comment: The p.T254P variant (also known as c.760A>C), located in coding exon 5 of the SMAD4 gene, results from an A to C substitution at nucleotide position 760. The threonine at codon 254 is replaced by proline, an amino acid with highly similar properties. This amino acid position is conserved. In addition, the in silico prediction for this alteration is inconclusive. Based on the available evidence, the clinical significance of this variant remains unclear.

NM_005359.6(SMAD4):c.760A>C (p.Thr254Pro)

Gene: SMAD4 (SMAD family member 4; plus strand). Cytogenetic location: 18q21.2.
Variant type: single nucleotide variant.
Coding change: c.760A>C on transcript NM_005359.6 (MANE Select); coding-DNA position 760, A replaced by C.
Protein change: p.Thr254Pro; replaces threonine 254 with proline.
Molecular consequence: missense variant. On other transcripts: non-coding transcript variant (2).
Genome position (GRCh38, 1-based): chr18:51,058,217, A>C. VCF-style: chr18-51058217-A-C. GRCh37 (hg19) VCF-style: chr18-48584587-A-C.
Other names: c.760A>C, p.Thr254Pro (NM_001407041.1, NM_001407042.1, NM_001407043.1); short protein forms T254P.
Identifiers: ClinVar variation 3798818 (VCV003798818.1).